The following is an entry in ClinVar:

NM_002474.3(MYH11):c.4123G>A (p.Asp1375Asn)

Genes: NDE1 (nudE neurodevelopment protein 1; plus strand), MYH11 (myosin heavy chain 11; minus strand). Cytogenetic location: 16p13.11.
Variant type: single nucleotide variant.
Coding change: c.4123G>A on transcript NM_002474.3 (MANE Select); coding-DNA position 4123, G replaced by A.
Protein change: p.Asp1375Asn; replaces aspartic acid 1375 with asparagine.
Molecular consequence: missense variant. On other transcripts: 3 prime UTR variant (2).
Genome position (GRCh38, 1-based): chr16:15,724,403, C>T on the plus strand (G>A on the coding strand, the complement: MYH11 is on the minus strand). VCF-style: chr16-15724403-C-T. GRCh37 (hg19) VCF-style: chr16-15818260-C-T.
Other names: c.4123G>A (NM_002474.2); c.4144G>A, p.Asp1382Asn (NM_001040113.2, NM_001040114.2); c.4123G>A, p.Asp1375Asn (NM_022844.3); c.*152C>T (NM_001143979.2, NM_017668.3); short protein forms D1375N, D1382N.
Identifiers: ClinVar variation 628895 (VCV000628895.20), dbSNP rs143467011, ClinGen allele CA7921754.
Genomic context (GRCh38, chr16:15,724,403, plus strand): 5'-TCTTCCCCTCTTCCAGAGCTTCCACGGTGCTGGCAAAGTCCTGCAGCTTCTTCTTCGAGT[C>T]GGAGAGCTACAAGGACAGCGTCCAGGGTAGGGTGAGAGGGGGACCATGAGTGGCCCCTGT-3'
Protein context (NP_002465.1, residues 1365-1385): HISTLNIQLS[Asp1375Asn]SKKKLQDFAS

ClinVar aggregate classification (germline): Uncertain significance. Review status: criteria provided, multiple submitters, no conflicts (2 of 4 stars). 6 submissions from 6 submitters: Uncertain significance (6). Last evaluated 2025-12-21.

Conditions:
Aortic aneurysm, familial thoracic 4 (AAT4). Also called: AORTIC ANEURYSM/AORTIC DISSECTION AND PATENT DUCTUS ARTERIOSUS. Identifiers: MedGen C1851504, MONDO:0007568, OMIM 132900.
Familial thoracic aortic aneurysm and aortic dissection (TAAD). Also called: Thoracic aortic aneurysms and dissections. Identifiers: Orphanet 91387, MedGen C4707243, MONDO:0019625.

Allele frequency attached by ClinVar (database versions not stated): TOPMed below 0.00001; ExAC 0.00001; gnomAD exomes 0.00002; ESP Exome Variant Server 0.00008.
gnomAD v4.1: 30 of 1,613,670 alleles (0.0019%); highest among the groups gnomAD compares: East Asian, 0.0045%; no homozygotes.

Submissions (6):

Labcorp Genetics (formerly Invitae), Labcorp
Classification: Uncertain significance for Aortic aneurysm, familial thoracic 4. Last evaluated: 2025-12-21. Review status: criteria provided, single submitter. Criteria: Invitae Variant Classification Sherloc (09022015). Collection method: clinical testing. Allele origin: germline.
Comment: This sequence change replaces aspartic acid, which is acidic and polar, with asparagine, which is neutral and polar, at codon 1382 of the MYH11 protein (p.Asp1382Asn). This variant is present in population databases (rs143467011, gnomAD 0.02%). This variant has not been reported in the literature in individuals affected with MYH11-related conditions. ClinVar contains an entry for this variant (Variation ID: 628895). Invitae Evidence Modeling of protein sequence and biophysical properties (such as structural, functional, and spatial information, amino acid conservation, physicochemical variation, residue mobility, and thermodynamic stability) indicates that this missense variant is not expected to disrupt MYH11 protein function with a negative predictive value of 95%. In summary, the available evidence is currently insufficient to determine the role of this variant in disease. Therefore, it has been classified as a Variant of Uncertain Significance.

Color Diagnostics, LLC DBA Color Health
Classification: Uncertain significance for Familial thoracic aortic aneurysm and aortic dissection. Last evaluated: 2025-11-03. Review status: criteria provided, single submitter. Criteria: ACMG Guidelines, 2015. Collection method: clinical testing. Allele origin: germline.
Comment: This missense variant replaces aspartic acid with asparagine at codon 1382 of the MYH11 protein. Computational prediction is inconclusive regarding the impact of this variant on protein structure and function. To our knowledge, functional studies have not been reported for this variant. This variant has not been reported in individuals affected with MYH11-related disorders in the literature. This variant has been identified in 5/281040 chromosomes in the general population by the Genome Aggregation Database (gnomAD). The available evidence is insufficient to determine the role of this variant in disease conclusively. Therefore, this variant is classified as a Variant of Uncertain Significance.

Ambry Genetics
Classification: Uncertain significance for Familial thoracic aortic aneurysm and aortic dissection. Last evaluated: 2025-08-13. Review status: criteria provided, single submitter. Criteria: Ambry Variant Classification Scheme 2023. Collection method: clinical testing. Allele origin: germline.
Comment: The p.D1375N variant (also known as c.4123G>A), located in coding exon 30 of the MYH11 gene, results from a G to A substitution at nucleotide position 4123. The aspartic acid at codon 1375 is replaced by asparagine, an amino acid with highly similar properties. This amino acid position is well conserved in available vertebrate species. In addition, this alteration is predicted to be tolerated by in silico analysis. Based on the available evidence, the clinical significance of this variant remains unclear.

All of Us Research Program, National Institutes of Health
Classification: Uncertain significance for Familial thoracic aortic aneurysm and aortic dissection. Last evaluated: 2024-08-06. Review status: criteria provided, single submitter. Criteria: ACMG Guidelines, 2015. Collection method: clinical testing. Allele origin: germline. Inheritance: Autosomal dominant inheritance. Observed: 5 variant alleles, 5 heterozygotes.
Comment: This missense variant replaces aspartic acid with asparagine at codon 1382 of the MYH11 protein. Computational prediction is inconclusive regarding the impact of this variant on protein structure and function (internally defined REVEL score threshold 0.5 < inconclusive < 0.7, PMID: 27666373). To our knowledge, functional studies have not been reported for this variant. This variant has not been reported in individuals affected with cardiovascular disorders in the literature. This variant has been identified in 5/281040 chromosomes in the general population by the Genome Aggregation Database (gnomAD). The available evidence is insufficient to determine the role of this variant in disease conclusively. Therefore, this variant is classified as a Variant of Uncertain Significance.

This study involves interpretation of variants in research participants for the purpose of population health screening. Participant phenotype was not available at the time of variant classification. Additional details can be found in publication PMID: 35346344, PMCID: PMC8962531

GeneDx
Classification: Uncertain significance. Last evaluated: 2023-06-13. Review status: criteria provided, single submitter. Criteria: GeneDx Variant Classification Process June 2021. Collection method: clinical testing. Allele origin: germline. Affected: yes.
Comment: Not observed at significant frequency in large population cohorts (gnomAD); In silico analysis supports that this missense variant has a deleterious effect on protein structure/function; Has not been previously published as pathogenic or benign to our knowledge

MGZ Medical Genetics Center
Classification: Uncertain significance for Aortic aneurysm, familial thoracic 4. Last evaluated: 2022-05-19. Review status: criteria provided, single submitter. Criteria: ACMG Guidelines, 2015. Collection method: clinical testing. Allele origin: germline. Affected: yes. Observed: 1 variant allele.
Comment: ACMG criteria applied: PM2_SUP, PP3